The following is an entry in ClinVar:

ClinVar aggregate classification (germline): Likely benign (1 of 4 stars; one submission).

Allele frequency attached by ClinVar (database versions not stated): 1000 Genomes Project 30x 0.00547.

Submission:

CeGaT Center for Human Genetics Tuebingen
Classification: Likely benign. Last evaluated: 2023-11-01. Review status: criteria provided, single submitter. Criteria: CeGaT Center For Human Genetics Tuebingen Variant Classification Criteria Version 2. Collection method: clinical testing. Allele origin: germline. Affected: yes. Observed: 3 variant alleles.
Comment: POU3F3: BP4, BP7

NM_006236.3(POU3F3):c.120C>G (p.Gly40=)

Gene: POU3F3 (POU class 3 homeobox 3; plus strand). Cytogenetic location: 2q12.1.
Variant type: single nucleotide variant.
Coding change: c.120C>G on transcript NM_006236.3 (MANE Select); coding-DNA position 120, C replaced by G.
Protein change: p.Gly40=; no amino-acid change (glycine 40 retained).
Molecular consequence: synonymous variant.
Genome position (GRCh38, 1-based): chr2:104,855,630, C>G. VCF-style: chr2-104855630-C-G. GRCh37 (hg19) VCF-style: chr2-105472088-C-G.
Identifiers: ClinVar variation 2651217 (VCV002651217.24), dbSNP rs868353338, ClinGen allele CA53278012.